The following is an entry in ClinVar:

NM_032119.4(ADGRV1):c.265G>A (p.Ala89Thr)

Gene: ADGRV1 (adhesion G protein-coupled receptor V1; plus strand). Cytogenetic location: 5q14.3.
Variant type: single nucleotide variant.
Coding change: c.265G>A on transcript NM_032119.4 (MANE Select); coding-DNA position 265, G replaced by A.
Protein change: p.Ala89Thr; replaces alanine 89 with threonine.
Molecular consequence: missense variant. On other transcripts: non-coding transcript variant (1).
Genome position (GRCh38, 1-based): chr5:90,617,861, G>A. VCF-style: chr5-90617861-G-A. GRCh37 (hg19) VCF-style: chr5-89913678-G-A.
Other names: short protein forms A89T.
Identifiers: ClinVar variation 502631 (VCV000502631.12), dbSNP rs1445238716, ClinGen allele CA360385353.

ClinVar aggregate classification (germline): Uncertain significance. Review status: criteria provided, multiple submitters, no conflicts (2 of 4 stars). 3 submissions from 3 submitters: Uncertain significance (3). Last evaluated 2021-09-02.

Allele frequency attached by ClinVar (database versions not stated): gnomAD exomes below 0.00001; gnomAD 0.00001.
gnomAD v4.1: 3 of 1,599,936 alleles (0.00019%); highest among the groups gnomAD compares: African/African-American, 0.0013%; no homozygotes.

Submissions (3):

Labcorp Genetics (formerly Invitae), Labcorp
Classification: Uncertain significance. Last evaluated: 2021-09-02. Review status: criteria provided, single submitter. Criteria: Invitae Variant Classification Sherloc (09022015). Collection method: clinical testing. Allele origin: germline.
Comment: This sequence change replaces alanine with threonine at codon 89 of the ADGRV1 protein (p.Ala89Thr). The alanine residue is weakly conserved and there is a small physicochemical difference between alanine and threonine. This variant is not present in population databases (ExAC no frequency). This variant has not been reported in the literature in individuals affected with ADGRV1-related conditions. ClinVar contains an entry for this variant (Variation ID: 502631). Algorithms developed to predict the effect of missense changes on protein structure and function output the following: SIFT: "Tolerated"; PolyPhen-2: "Possibly Damaging"; Align-GVGD: "Class C0". The threonine amino acid residue is found in multiple mammalian species, which suggests that this missense change does not adversely affect protein function. In summary, the available evidence is currently insufficient to determine the role of this variant in disease. Therefore, it has been classified as a Variant of Uncertain Significance.

Blueprint Genetics
Classification: Uncertain significance. Last evaluated: 2019-09-02. Review status: criteria provided, single submitter. Criteria: ACMG Guidelines, 2015. Collection method: clinical testing. Allele origin: germline.

Eurofins Ntd Llc (ga)
Classification: Uncertain significance. Last evaluated: 2017-06-16. Review status: criteria provided, single submitter. Criteria: EGL Classification Definitions 2015. Collection method: clinical testing. Allele origin: germline. Observed: 1 variant allele, 1 heterozygote.